The following is an entry in ClinVar:

NM_012431.3(SEMA3E):c.1903A>T (p.Met635Leu)

Gene: SEMA3E (semaphorin 3E; minus strand). Cytogenetic location: 7q21.11.
Variant type: single nucleotide variant.
Coding change: c.1903A>T on transcript NM_012431.3 (MANE Select); coding-DNA position 1903, A replaced by T.
Protein change: p.Met635Leu; replaces methionine 635 with leucine.
Molecular consequence: missense variant.
Genome position (GRCh38, 1-based): chr7:83,368,011, T>A on the plus strand (A>T on the coding strand, the complement: SEMA3E is on the minus strand). VCF-style: chr7-83368011-T-A. GRCh37 (hg19) VCF-style: chr7-82997327-T-A.
Other names: c.1723A>T, p.Met575Leu (NM_001178129.2); short protein forms M575L, M635L.
Identifiers: ClinVar variation 3668295 (VCV003668295.2).

ClinVar aggregate classification (germline): Uncertain significance (1 of 4 stars; one submission).

Conditions:
CHARGE syndrome (CHARGE). Also called: Hittner Hirsch Kreh syndrome; CHARGE ASSOCIATION--COLOBOMA, HEART ANOMALY, CHOANAL ATRESIA, RETARDATION, GENITAL AND EAR ANOMALIES; Coloboma, heart anomaly, choanal atresia, retardation, genital and ear anomalies; CHARGE association; Hall-Hittner syndrome. Identifiers: Orphanet 138, MedGen C0265354, MONDO:0008965.

Submission:

Labcorp Genetics (formerly Invitae), Labcorp
Classification: Uncertain significance for CHARGE syndrome. Last evaluated: 2024-04-16. Review status: criteria provided, single submitter. Criteria: Invitae Variant Classification Sherloc (09022015). Collection method: clinical testing. Allele origin: germline.
Comment: This sequence change replaces methionine, which is neutral and non-polar, with leucine, which is neutral and non-polar, at codon 635 of the SEMA3E protein (p.Met635Leu). This variant is not present in population databases (gnomAD no frequency). This variant has not been reported in the literature in individuals affected with SEMA3E-related conditions. Advanced modeling of protein sequence and biophysical properties (such as structural, functional, and spatial information, amino acid conservation, physicochemical variation, residue mobility, and thermodynamic stability) performed at Invitae indicates that this missense variant is not expected to disrupt SEMA3E protein function with a negative predictive value of 80%. In summary, the available evidence is currently insufficient to determine the role of this variant in disease. Therefore, it has been classified as a Variant of Uncertain Significance.